The following is an entry in ClinVar:

NM_000132.4(F8):c.2214C>A (p.Tyr738Ter)

Gene: F8 (coagulation factor VIII; minus strand). Cytogenetic location: Xq28.
Variant type: single nucleotide variant.
Coding change: c.2214C>A on transcript NM_000132.4 (MANE Select); coding-DNA position 2214, C replaced by A.
Protein change: p.Tyr738Ter; replaces tyrosine 738 with a stop codon.
Molecular consequence: nonsense.
Genome position (GRCh38, 1-based): chrX:154,931,576, G>T on the plus strand (C>A on the coding strand, the complement: F8 is on the minus strand). VCF-style: chrX-154931576-G-T. GRCh37 (hg19) VCF-style: chrX-154159851-G-T.
Other names: short protein forms Y738*.
Identifiers: ClinVar variation 3766966 (VCV003766966.2).
Genomic context (GRCh38, chrX:154,931,576, plus strand): 5'-TGGTTCAATGGCATTGTTTTTACTCAGCAAGTATGCTGAAATATCTTCATAACTGTCCTC[G>T]TAATAATCACCAGTGTTCTTGTCACAACTAGAAACCTTCAGTAAGGCGGTCATGCCTCTG-3'

ClinVar aggregate classification (germline): Pathogenic (1 of 4 stars; one submission).

Submission:

ARUP Laboratories, Molecular Genetics and Genomics, ARUP Laboratories
Classification: Pathogenic. Last evaluated: 2025-05-07. Review status: criteria provided, single submitter. Criteria: ARUP Molecular Germline Variant Investigation Process 2024. Collection method: clinical testing. Allele origin: germline.
Comment: The F8 c.2214C>A; p.Tyr738Ter variant (rs78373805) is reported in the literature in one individual affected with hemophilia A (Johnsen 2022). This variant is absent from the Genome Aggregation Database (v2.1.1), indicating it is not a common polymorphism. This variant induces an early termination codon and is predicted to result in a truncated protein or mRNA subject to nonsense-mediated decay. Based on available information, this variant is considered to be pathogenic. References: Johnsen JM et al. Results of genetic analysis of 11?341 participants enrolled in the My Life, Our Future hemophilia genotyping initiative in the United States. J Thromb Haemost. 2022 Sep;20(9):2022-2034. PMID: 35770352.